The following is an entry in ClinVar:

ClinVar aggregate classification (germline): Uncertain significance (1 of 4 stars; one submission).

gnomAD v4.1: 8 of 1,604,584 alleles (0.0005%); highest among the groups gnomAD compares: Non-Finnish European, 0.00043%; no homozygotes.

Submission:

Labcorp Genetics (formerly Invitae), Labcorp
Classification: Uncertain significance. Last evaluated: 2025-10-29. Review status: criteria provided, single submitter. Criteria: Invitae Variant Classification Sherloc (09022015). Collection method: clinical testing. Allele origin: germline.
Comment: This sequence change replaces valine, which is neutral and non-polar, with alanine, which is neutral and non-polar, at codon 428 of the POLE2 protein (p.Val428Ala). This variant is not present in population databases (gnomAD no frequency). This variant has not been reported in the literature in individuals affected with POLE2-related conditions. An algorithm developed to predict the effect of missense changes on protein structure and function (PolyPhen-2) suggests that this variant is likely to be disruptive. In summary, the available evidence is currently insufficient to determine the role of this variant in disease. Therefore, it has been classified as a Variant of Uncertain Significance.

NM_002692.4(POLE2):c.1283T>C (p.Val428Ala)

Gene: POLE2 (DNA polymerase epsilon 2, accessory subunit; minus strand). Cytogenetic location: 14q21.3.
Variant type: single nucleotide variant.
Coding change: c.1283T>C on transcript NM_002692.4 (MANE Select); coding-DNA position 1283, T replaced by C.
Protein change: p.Val428Ala; replaces valine 428 with alanine.
Molecular consequence: missense variant.
Genome position (GRCh38, 1-based): chr14:49,651,306, A>G on the plus strand (T>C on the coding strand, the complement: POLE2 is on the minus strand). VCF-style: chr14-49651306-A-G. GRCh37 (hg19) VCF-style: chr14-50118024-A-G.
Other names: c.1205T>C, p.Val402Ala (NM_001197330.2); c.1283T>C, p.Val428Ala (NM_001197331.3); c.1280T>C, p.Val427Ala (NM_001348384.2); c.1052T>C, p.Val351Ala (NM_001348385.2); short protein forms V351A, V402A, V427A, V428A.
Identifiers: ClinVar variation 4798893 (VCV004798893.1).